The following is an entry in ClinVar:

ClinVar aggregate classification (germline): Pathogenic (1 of 4 stars; one submission).

Conditions:
Asphyxiating thoracic dystrophy 3. Also called: SHORT-RIB THORACIC DYSPLASIA 3 WITH OR WITHOUT POLYDACTYLY; POLYDACTYLY WITH NEONATAL CHONDRODYSTROPHY, TYPE I; SHORT-RIB THORACIC DYSPLASIA 3/6 WITH POLYDACTYLY, DIGENIC; Short rib polydactyly syndrome 2B; Saldino-Noonan Syndrome. Identifiers: Orphanet 474, Orphanet 93269, Orphanet 93270, Orphanet 93271, MedGen C0036069, MONDO:0013127, OMIM 613091.

Submission:

Myriad Genetics, Inc.
Classification: Pathogenic for Asphyxiating thoracic dystrophy 3. Last evaluated: 2026-05-02. Review status: criteria provided, single submitter. Criteria: Myriad Autosomal Dominant, Autosomal Recessive and X-Linked Classification Criteria (2023). Collection method: clinical testing. Allele origin: unknown.
Comment: NM_001377.2(DYNC2H1):c.8776A>T(K2926*) is expected to be pathogenic in the context of DYNC2H1-related disorders. This variant is predicted to lead to an abnormal or absent protein product due to the creation of a premature termination codon in DYNC2H1, a gene where loss-of-function variants are known to be pathogenic. Please note: this variant was assessed in the context of healthy population screening.

NM_001377.3(DYNC2H1):c.8776A>T (p.Lys2926Ter)

Gene: DYNC2H1 (dynein cytoplasmic 2 heavy chain 1; plus strand). Cytogenetic location: 11q22.3.
Variant type: single nucleotide variant.
Coding change: c.8776A>T on transcript NM_001377.3 (MANE Select); coding-DNA position 8776, A replaced by T.
Protein change: p.Lys2926Ter; replaces lysine 2926 with a stop codon.
Molecular consequence: nonsense.
Genome position (GRCh38, 1-based): chr11:103,215,802, A>T. VCF-style: chr11-103215802-A-T. GRCh37 (hg19) VCF-style: chr11-103086531-A-T.
Other names: c.8776A>T, p.Lys2926Ter (NM_001080463.2); short protein forms K2926*.
Identifiers: ClinVar variation 5015856 (VCV005015856.1).